The following is an entry in ClinVar:

ClinVar aggregate classification (germline): Uncertain significance. Review status: criteria provided, multiple submitters, no conflicts (2 of 4 stars). 3 submissions from 3 submitters: Uncertain significance (3). Last evaluated 2026-02-17.

Conditions:
Stiff skin syndrome (SSKS). Identifiers: Orphanet 2833, MedGen C1861456, MONDO:0008492, OMIM 184900.
Isolated ectopia lentis (ECTOL1). Identifiers: Orphanet 1885, MedGen C1851286, MONDO:0015998.
MASS syndrome (OCTD). Also called: MASS PHENOTYPE; OVERLAP CONNECTIVE TISSUE DISEASE. Identifiers: MedGen C1858556, MONDO:0011431, OMIM 604308.
Marfan syndrome (MFS). Also called: FBN1-Related Marfan Syndrome; MARFAN SYNDROME, TYPE I; Marfan syndrome type 1; Marfan's syndrome; Marfan syndrome, classic. Identifiers: Orphanet 284963, Orphanet 558, MedGen C0024796, MONDO:0007947, OMIM 154700.
Familial thoracic aortic aneurysm and aortic dissection (TAAD). Also called: Thoracic aortic aneurysms and dissections. Identifiers: Orphanet 91387, MedGen C4707243, MONDO:0019625.

Submissions (3):

Ambry Genetics
Classification: Uncertain significance for Familial thoracic aortic aneurysm and aortic dissection. Last evaluated: 2026-02-17. Review status: criteria provided, single submitter. Criteria: Ambry Variant Classification Scheme 2023. Collection method: clinical testing. Allele origin: germline.

All of Us Research Program, National Institutes of Health
Classification: Uncertain significance for Marfan syndrome. Last evaluated: 2024-09-23. Review status: criteria provided, single submitter. Criteria: ACMG Guidelines, 2015. Collection method: clinical testing. Allele origin: germline. Inheritance: Autosomal dominant inheritance. Observed: 1 variant allele, 1 heterozygote.
Comment: This study involves interpretation of variants in research participants for the purpose of population health screening. Participant phenotype was not available at the time of variant classification. Additional details can be found in publication PMID: 35346344, PMCID: PMC8962531

Labcorp Genetics (formerly Invitae), Labcorp
Classification: Uncertain significance for Marfan syndrome; Familial thoracic aortic aneurysm and aortic dissection. Last evaluated: 2022-02-03. Review status: criteria provided, single submitter. Criteria: Invitae Variant Classification Sherloc (09022015). Collection method: clinical testing. Allele origin: germline.
Comment: This sequence change replaces isoleucine, which is neutral and non-polar, with threonine, which is neutral and polar, at codon 1673 of the FBN1 protein (p.Ile1673Thr). This variant is not present in population databases (gnomAD no frequency). In summary, the available evidence is currently insufficient to determine the role of this variant in disease. Therefore, it has been classified as a Variant of Uncertain Significance. Algorithms developed to predict the effect of missense changes on protein structure and function (SIFT, PolyPhen-2, Align-GVGD) all suggest that this variant is likely to be disruptive. ClinVar contains an entry for this variant (Variation ID: 968811). This variant has not been reported in the literature in individuals affected with FBN1-related conditions.

NM_000138.5(FBN1):c.5018T>C (p.Ile1673Thr)

Gene: FBN1 (fibrillin 1; minus strand). Cytogenetic location: 15q21.1.
Variant type: single nucleotide variant.
Coding change: c.5018T>C on transcript NM_000138.5 (MANE Select); coding-DNA position 5018, T replaced by C.
Protein change: p.Ile1673Thr; replaces isoleucine 1673 with threonine.
Molecular consequence: missense variant.
Genome position (GRCh38, 1-based): chr15:48,463,946, A>G on the plus strand (T>C on the coding strand, the complement: FBN1 is on the minus strand). VCF-style: chr15-48463946-A-G. GRCh37 (hg19) VCF-style: chr15-48756143-A-G.
Other names: short protein forms I1673T.
Identifiers: ClinVar variation 968811 (VCV000968811.15), dbSNP rs2043300504, ClinGen allele CA392349925.